The following is an entry in ClinVar:

NM_006506.5(RASA2):c.133+6C>T

Genes: RASA2 (RAS p21 protein activator 2; plus strand), LOC129937686 (ATAC-STARR-seq lymphoblastoid silent region 14777; plus strand). Cytogenetic location: 3q23.
Variant type: single nucleotide variant.
Coding change: c.133+6C>T on transcript NM_006506.5 (MANE Select); 6 bases into the intron after coding-DNA position 133, C replaced by T.
Molecular consequence: intron variant.
Genome position (GRCh38, 1-based): chr3:141,487,222, C>T. VCF-style: chr3-141487222-C-T. GRCh37 (hg19) VCF-style: chr3-141206064-C-T.
Other names: c.133+6C>T (NM_001303245.3, NM_001303246.3).
Identifiers: ClinVar variation 4724096 (VCV004724096.1).

ClinVar aggregate classification (germline): Uncertain significance (1 of 4 stars; one submission).

gnomAD v4.1: 2 of 1,404,368 alleles (0.00014%); highest among the groups gnomAD compares: Admixed American, 0.0024%; no homozygotes.

Submission:

Labcorp Genetics (formerly Invitae), Labcorp
Classification: Uncertain significance. Last evaluated: 2025-12-15. Review status: criteria provided, single submitter. Criteria: Invitae Variant Classification Sherloc (09022015). Collection method: clinical testing. Allele origin: germline.
Comment: This sequence change falls in intron 1 of the RASA2 gene. It does not directly change the encoded amino acid sequence of the RASA2 protein. It affects a nucleotide within the consensus splice site. This variant is not present in population databases (gnomAD no frequency). This variant has not been reported in the literature in individuals affected with RASA2-related conditions. Variants that disrupt the consensus splice site are a relatively common cause of aberrant splicing (PMID: 17576681, 9536098). Algorithms developed to predict the effect of sequence changes on RNA splicing suggest that this variant is not likely to affect RNA splicing. In summary, the available evidence is currently insufficient to determine the role of this variant in disease. Therefore, it has been classified as a Variant of Uncertain Significance.

Literature cited by the submitters: PubMed 17576681; PubMed 9536098.